The following is an entry in ClinVar:

NM_002474.3(MYH11):c.1576-4A>G

Gene: MYH11 (myosin heavy chain 11; minus strand). Cytogenetic location: 16p13.11.
Variant type: single nucleotide variant.
Coding change: c.1576-4A>G on transcript NM_002474.3 (MANE Select); 4 bases into the intron before coding-DNA position 1576, A replaced by G.
Molecular consequence: intron variant.
Genome position (GRCh38, 1-based): chr16:15,756,518, T>C on the plus strand (A>G on the coding strand, the complement: MYH11 is on the minus strand). VCF-style: chr16-15756518-T-C. GRCh37 (hg19) VCF-style: chr16-15850375-T-C.
Other names: c.1576-4A>G (NM_022844.3); c.1597-4A>G (NM_001040114.2, NM_001040113.2).
Identifiers: ClinVar variation 682273 (VCV000682273.28), dbSNP rs189193825, ClinGen allele CA7922558.

ClinVar aggregate classification (germline): Conflicting classifications of pathogenicity. Review status: criteria provided, conflicting classifications (1 of 4 stars). 6 submissions from 6 submitters: Uncertain significance (1); Likely benign (5). Last evaluated 2025-12-06.

Conditions:
Familial thoracic aortic aneurysm and aortic dissection (TAAD). Also called: Thoracic aortic aneurysms and dissections. Identifiers: Orphanet 91387, MedGen C4707243, MONDO:0019625.
Aortic aneurysm, familial thoracic 4 (AAT4). Also called: AORTIC ANEURYSM/AORTIC DISSECTION AND PATENT DUCTUS ARTERIOSUS. Identifiers: MedGen C1851504, MONDO:0007568, OMIM 132900.

Allele frequency attached by ClinVar (database versions not stated): gnomAD 0.00001; gnomAD exomes 0.00001 and 0.00002; ExAC 0.00002; TOPMed 0.00007; 1000 Genomes Project 30x 0.00016; 1000 Genomes Project 0.00020.
gnomAD v4.1: 22 of 1,614,148 alleles (0.0014%); highest among the groups gnomAD compares: Admixed American, 0.005%; no homozygotes.

Submissions (6):

Labcorp Genetics (formerly Invitae), Labcorp
Classification: Likely benign for Aortic aneurysm, familial thoracic 4. Last evaluated: 2025-12-06. Review status: criteria provided, single submitter. Criteria: Invitae Variant Classification Sherloc (09022015). Collection method: clinical testing. Allele origin: germline.

Women's Health and Genetics/Laboratory Corporation of America, LabCorp
Classification: Likely benign. Last evaluated: 2025-04-28. Review status: criteria provided, single submitter. Criteria: LabCorp Variant Classification Summary - May 2015. Collection method: clinical testing. Allele origin: germline.

Ambry Genetics
Classification: Likely benign for Familial thoracic aortic aneurysm and aortic dissection. Last evaluated: 2025-03-22. Review status: criteria provided, single submitter. Criteria: Ambry Variant Classification Scheme 2023. Collection method: clinical testing. Allele origin: germline.

Color Diagnostics, LLC DBA Color Health
Classification: Likely benign for Familial thoracic aortic aneurysm and aortic dissection. Last evaluated: 2022-12-27. Review status: criteria provided, single submitter. Criteria: ACMG Guidelines, 2015. Collection method: clinical testing. Allele origin: germline.

GeneDx
Classification: Likely benign. Last evaluated: 2018-04-24. Review status: criteria provided, single submitter. Criteria: GeneDx Variant Classification (06012015). Collection method: clinical testing. Allele origin: germline. Affected: yes.
Comment: This variant is considered likely benign or benign based on one or more of the following criteria: it is a conservative change, it occurs at a poorly conserved position in the protein, it is predicted to be benign by multiple in silico algorithms, and/or has population frequency not consistent with disease.

Illumina Laboratory Services, Illumina
Classification: Uncertain significance for Aortic aneurysm, familial thoracic 4. Last evaluated: 2017-04-27. Review status: criteria provided, single submitter. Criteria: ICSL Variant Classification Criteria 13 December 2019. Collection method: clinical testing. Allele origin: germline.